The following is an entry in ClinVar:

ClinVar aggregate classification (germline): Uncertain significance. Review status: criteria provided, multiple submitters, no conflicts (2 of 4 stars). 2 submissions from 2 submitters: Uncertain significance (2). Last evaluated 2026-02-05.

gnomAD v4.1: 3 of 1,613,926 alleles (0.00019%); highest among the groups gnomAD compares: Non-Finnish European, 0.00025%; no homozygotes.

Submissions (2):

GeneDx
Classification: Uncertain significance. Last evaluated: 2026-02-05. Review status: criteria provided, single submitter. Criteria: GeneDx Variant Classification Process June 2021. Collection method: clinical testing. Allele origin: germline.
Comment: Not observed at significant frequency in large population cohorts (gnomAD); In silico analysis suggests that this missense variant does not alter protein structure/function; Has not been previously published as pathogenic or benign to our knowledge; In silico analysis suggests this variant may impact gene splicing. In the absence of RNA/functional studies, the actual effect of this sequence change is unknown.

CeGaT Center for Human Genetics Tuebingen
Classification: Uncertain significance. Last evaluated: 2024-01-01. Review status: criteria provided, single submitter. Criteria: CeGaT Center For Human Genetics Tuebingen Variant Classification Criteria Version 2. Collection method: clinical testing. Allele origin: germline. Affected: yes. Observed: 1 variant allele.
Comment: MYO7A: PM2, BP4

NM_000260.4(MYO7A):c.4997G>T (p.Ser1666Ile)

Gene: MYO7A (myosin VIIA; plus strand). Cytogenetic location: 11q13.5.
Variant type: single nucleotide variant.
Coding change: c.4997G>T on transcript NM_000260.4 (MANE Select); coding-DNA position 4997, G replaced by T.
Protein change: p.Ser1666Ile; replaces serine 1666 with isoleucine.
Molecular consequence: missense variant.
Genome position (GRCh38, 1-based): chr11:77,201,592, G>T. VCF-style: chr11-77201592-G-T. GRCh37 (hg19) VCF-style: chr11-76912637-G-T.
Other names: c.4883G>T, p.Ser1628Ile (NM_001127180.2); c.4850G>T, p.Ser1617Ile (NM_001369365.1); c.4997G>T (NM_000260.3); short protein forms S1617I, S1628I, S1666I.
Identifiers: ClinVar variation 3026016 (VCV003026016.23), dbSNP rs1314035852, ClinGen allele CA381951404.